The following is an entry in ClinVar:

NM_000548.5(TSC2):c.2779A>G (p.Thr927Ala)

Gene: TSC2 (TSC complex subunit 2; plus strand). Cytogenetic location: 16p13.3.
Variant type: single nucleotide variant.
Coding change: c.2779A>G on transcript NM_000548.5 (MANE Select); coding-DNA position 2779, A replaced by G.
Protein change: p.Thr927Ala; replaces threonine 927 with alanine.
Molecular consequence: missense variant. On other transcripts: non-coding transcript variant (5).
Genome position (GRCh38, 1-based): chr16:2,076,527, A>G. VCF-style: chr16-2076527-A-G. GRCh37 (hg19) VCF-style: chr16-2126528-A-G.
Other names: c.2779A>G, p.Thr927Ala (NM_001077183.3, NM_001114382.3, NM_001363528.2 and 6 more transcripts); c.2668A>G, p.Thr890Ala (NM_001318827.2, NM_001406670.1, NM_001406678.1); c.2632A>G, p.Thr878Ala (NM_001318829.2, NM_001406675.1, NM_001406676.1 and 1 more transcripts); c.2179A>G, p.Thr727Ala (NM_001318831.2, NM_001406680.1, NM_001406682.1 and 6 more transcripts); c.2812A>G, p.Thr938Ala (NM_001318832.2); c.2869A>G, p.Thr957Ala (NM_001406667.1, NM_001406668.1); c.2767A>G, p.Thr923Ala (NM_001406671.1, NM_001406673.1); c.2722A>G, p.Thr908Ala (NM_001406677.1); and 3 more; short protein forms T393A, T727A, T878A, T908A, T923A, T938A, T890A, T479A.
Identifiers: ClinVar variation 2454129 (VCV002454129.3), dbSNP rs1420034406, ClinGen allele CA394279928.

ClinVar aggregate classification (germline): Uncertain significance (1 of 4 stars; one submission).

Conditions:
Hereditary cancer-predisposing syndrome. Also called: Neoplastic Syndromes, Hereditary; Hereditary neoplastic syndrome; Tumor predisposition; Hereditary Cancer Syndrome. Identifiers: Orphanet 140162, MedGen C0027672, MeSH D009386, MONDO:0015356.

Submission:

Ambry Genetics
Classification: Uncertain significance for Hereditary cancer-predisposing syndrome. Last evaluated: 2025-05-14. Review status: criteria provided, single submitter. Criteria: Ambry Variant Classification Scheme 2023. Collection method: clinical testing. Allele origin: germline.
Comment: The p.T927A variant (also known as c.2779A>G), located in coding exon 24 of the TSC2 gene, results from an A to G substitution at nucleotide position 2779. The threonine at codon 927 is replaced by alanine, an amino acid with similar properties. This amino acid position is well conserved in available vertebrate species. In addition, the in silico prediction for this alteration is inconclusive. Based on the available evidence, the clinical significance of this variant remains unclear.